The following is an entry in ClinVar:

ClinVar aggregate classification (germline): Uncertain significance. Review status: criteria provided, multiple submitters, no conflicts (2 of 4 stars). 3 submissions from 3 submitters: Uncertain significance (3). Last evaluated 2025-10-17.

Conditions:
Biotin-responsive basal ganglia disease (BTBGD). Also called: Thiamine metabolism dysfunction syndrome 2 (biotin- or thiamine-responsive encephalopathy type 2); Thiamine Transporter-2 Deficiency; thiamine-responsive encephalopathy; THIAMINE METABOLISM DYSFUNCTION SYNDROME 2 (BIOTIN- AND THIAMINE-RESPONSIVE TYPE); Thiamine metabolism dysfunction syndrome type 2. Identifiers: Orphanet 199348, Orphanet 65284, MedGen C1843807, MONDO:0011841, OMIM 607483.

gnomAD v4.1: 41 of 1,614,104 alleles (0.0025%); highest among the groups gnomAD compares: Non-Finnish European, 0.0034%; no homozygotes.

Submissions (3):

Myriad Genetics, Inc.
Classification: Uncertain significance for Biotin-responsive basal ganglia disease. Last evaluated: 2025-10-17. Review status: criteria provided, single submitter. Criteria: Myriad Autosomal Dominant, Autosomal Recessive and X-Linked Classification Criteria (2023). Collection method: clinical testing. Allele origin: unknown.
Comment: NM_025243.3(SLC19A3):c.488C>A(S163Y) is a missense variant classified as a variant of uncertain significance in the context of biotin-thiamine-responsive basal ganglia disease. S163Y has not been observed in cases with relevant disease. Relevant functional assessments of this variant are not available in the literature. S163Y has been observed in referenced population frequency databases. In summary, there is insufficient evidence to classify NM_025243.3(SLC19A3):c.488C>A(S163Y) as pathogenic or benign. Please note: this variant was assessed in the context of healthy population screening.

Women's Health and Genetics/Laboratory Corporation of America, LabCorp
Classification: Uncertain significance. Last evaluated: 2024-09-18. Review status: criteria provided, single submitter. Criteria: LabCorp Variant Classification Summary - May 2015. Collection method: clinical testing. Allele origin: germline.
Comment: Variant summary: SLC19A3 c.488C>A (p.Ser163Tyr) results in a non-conservative amino acid change in the encoded protein sequence. Five of five in-silico tools predict a damaging effect of the variant on protein function. The variant allele was found at a frequency of 8e-06 in 251404 control chromosomes. The available data on variant occurrences in the general population are insufficient to allow any conclusion about variant significance. To our knowledge, no occurrence of c.488C>A in individuals affected with Basal ganglia disease, biotin-thiamine-responsive and no experimental evidence demonstrating its impact on protein function have been reported. ClinVar contains an entry for this variant (Variation ID: 429581). Based on the evidence outlined above, the variant was classified as uncertain significance.

GeneDx
Classification: Uncertain significance. Last evaluated: 2018-02-22. Review status: criteria provided, single submitter. Criteria: GeneDx Variant Classification (06012015). Collection method: clinical testing. Allele origin: germline. Affected: yes.
Comment: The S163Y variant in the SLC19A3 gene has not been reported previously as a pathogenic variant, nor as a benign variant, to our knowledge. The S163Y variant is not observed at a significant frequency in large population cohorts (Lek et al., 2016). The S163Y variant is a semi-conservative amino acid substitution, which may impact secondary protein structure as these residues differ in some properties. In-silico analyses, including protein predictors and evolutionary conservation, support a deleterious effect. We interpret S163Y as a variant of uncertain significance.

NM_025243.4(SLC19A3):c.488C>A (p.Ser163Tyr)

Gene: SLC19A3 (solute carrier family 19 member 3; minus strand). Cytogenetic location: 2q36.3.
Variant type: single nucleotide variant.
Coding change: c.488C>A on transcript NM_025243.4 (MANE Select); coding-DNA position 488, C replaced by A.
Protein change: p.Ser163Tyr; replaces serine 163 with tyrosine.
Molecular consequence: missense variant.
Genome position (GRCh38, 1-based): chr2:227,699,227, G>T on the plus strand (C>A on the coding strand, the complement: SLC19A3 is on the minus strand). VCF-style: chr2-227699227-G-T. GRCh37 (hg19) VCF-style: chr2-228563943-G-T.
Other names: short protein forms S163Y.
Identifiers: ClinVar variation 429581 (VCV000429581.4), dbSNP rs898880170, ClinGen allele CA350877115.